The following is an entry in ClinVar:

NM_013275.6(ANKRD11):c.2715C>T (p.Phe905=)

Gene: ANKRD11 (ankyrin repeat domain 11; minus strand). Cytogenetic location: 16q24.3.
Variant type: single nucleotide variant.
Coding change: c.2715C>T on transcript NM_013275.6 (MANE Select); coding-DNA position 2715, C replaced by T.
Protein change: p.Phe905=; no amino-acid change (phenylalanine 905 retained).
Molecular consequence: synonymous variant.
Genome position (GRCh38, 1-based): chr16:89,283,827, G>A on the plus strand (C>T on the coding strand, the complement: ANKRD11 is on the minus strand). VCF-style: chr16-89283827-G-A. GRCh37 (hg19) VCF-style: chr16-89350235-G-A.
Other names: c.2715C>T, p.Phe905= (NM_001256182.2, NM_001256183.2).
Identifiers: ClinVar variation 3234409 (VCV003234409.20), dbSNP rs2544240208, ClinGen allele CA497375176.

ClinVar aggregate classification (germline): Likely benign (1 of 4 stars; one submission).

Submission:

CeGaT Center for Human Genetics Tuebingen
Classification: Likely benign. Last evaluated: 2026-07-01. Review status: criteria provided, single submitter. Criteria: CeGaT Center For Human Genetics Tuebingen Variant Classification Criteria Version 2. Collection method: clinical testing. Allele origin: germline. Affected: yes. Observed: 3 variant alleles.
Comment: ANKRD11: PM2:Supporting, BP4, BP7